The following is an entry in ClinVar:

ClinVar aggregate classification (germline): Uncertain significance (1 of 4 stars; one submission).

Conditions:
Hereditary cancer-predisposing syndrome. Also called: Tumor predisposition; Hereditary neoplastic syndrome; Hereditary Cancer Syndrome; Neoplastic Syndromes, Hereditary. Identifiers: Orphanet 140162, MedGen C0027672, MeSH D009386, MONDO:0015356.

Submission:

Ambry Genetics
Classification: Uncertain significance for Hereditary cancer-predisposing syndrome. Last evaluated: 2026-05-26. Review status: criteria provided, single submitter. Criteria: Ambry Variant Classification Scheme 2023. Collection method: clinical testing. Allele origin: germline.
Comment: The p.E2181Q variant (also known as c.6541G>C), located in coding exon 44 of the ATM gene, results from a G to C substitution at nucleotide position 6541. The glutamic acid at codon 2181 is replaced by glutamine, an amino acid with highly similar properties. In an assay testing ATM function, this variant showed a functionally normal result (Lee KS et al. Cell, 2025 Sep;188:5081-5099.e27). This amino acid position is highly conserved in available vertebrate species. In addition, this alteration is predicted to be deleterious by in silico analysis. Based on the available evidence, the clinical significance of this variant remains unclear.

Literature cited by the submitters: PubMed 40580951.

NM_000051.4(ATM):c.6541G>C (p.Glu2181Gln)

Genes: ATM (ATM serine/threonine kinase; plus strand), C11orf65 (chromosome 11 open reading frame 65; minus strand). Cytogenetic location: 11q22.3.
Variant type: single nucleotide variant.
Coding change: c.6541G>C on transcript NM_000051.4 (MANE Select); coding-DNA position 6541, G replaced by C.
Protein change: p.Glu2181Gln; replaces glutamic acid 2181 with glutamine.
Molecular consequence: missense variant. On other transcripts: intron variant (2).
Genome position (GRCh38, 1-based): chr11:108,321,389, G>C. VCF-style: chr11-108321389-G-C. GRCh37 (hg19) VCF-style: chr11-108192116-G-C.
Other names: c.6541G>C, p.Glu2181Gln (NM_001351834.2); c.641-12318C>G (NM_001330368.2); c.*39-12318C>G (NM_001351110.2); short protein forms E2181Q.
Identifiers: ClinVar variation 4866886 (VCV004866886.1).